The following is an entry in ClinVar:

ClinVar aggregate classification (germline): Uncertain significance (1 of 4 stars; one submission).

Submission:

GeneDx
Classification: Uncertain significance. Last evaluated: 2025-05-27. Review status: criteria provided, single submitter. Criteria: GeneDx Variant Classification Process June 2021. Collection method: clinical testing. Allele origin: germline. Affected: yes.
Comment: Not observed at significant frequency in large population cohorts (gnomAD); In silico analysis supports that this missense variant has a deleterious effect on protein structure/function; Has not been previously published as pathogenic or benign to our knowledge; Does not affect a cysteine or calcium-binding residue within an EGF-like domain or a TGF-binding protein domain of the FBN1 gene; cysteine substitutions in the EGF-like domains represent the majority of pathogenic missense changes associated with FBN1-related disorders (PMID: 12938084); This variant is associated with the following publications: (PMID: 12938084)

NM_000138.5(FBN1):c.707T>C (p.Ile236Thr)

Gene: FBN1 (fibrillin 1; minus strand). Cytogenetic location: 15q21.1.
Variant type: single nucleotide variant.
Coding change: c.707T>C on transcript NM_000138.5 (MANE Select); coding-DNA position 707, T replaced by C.
Protein change: p.Ile236Thr; replaces isoleucine 236 with threonine.
Molecular consequence: missense variant.
Genome position (GRCh38, 1-based): chr15:48,537,640, A>G on the plus strand (T>C on the coding strand, the complement: FBN1 is on the minus strand). VCF-style: chr15-48537640-A-G. GRCh37 (hg19) VCF-style: chr15-48829837-A-G.
Other names: c.707T>C, p.Ile236Thr (NM_001406716.1, NM_001406717.1); short protein forms I236T.
Identifiers: ClinVar variation 4532649 (VCV004532649.1).